The following is an entry in ClinVar:

NM_005070.4(SLC4A3):c.2232C>T (p.Ile744=)

Gene: SLC4A3 (solute carrier family 4 member 3; plus strand). Cytogenetic location: 2q35.
Variant type: single nucleotide variant.
Coding change: c.2232C>T on transcript NM_005070.4 (MANE Select); coding-DNA position 2232, C replaced by T.
Protein change: p.Ile744=; no amino-acid change (isoleucine 744 retained).
Molecular consequence: synonymous variant. On other transcripts: non-coding transcript variant (1).
Genome position (GRCh38, 1-based): chr2:219,636,342, C>T. VCF-style: chr2-219636342-C-T. GRCh37 (hg19) VCF-style: chr2-220501064-C-T.
Other names: c.2313C>T, p.Ile771= (NM_001326559.2, NM_201574.3).
Identifiers: ClinVar variation 3041174 (VCV003041174.2), dbSNP rs113725667, ClinGen allele CA2134149.

ClinVar aggregate classification (germline): Likely benign (0 of 4 stars; one submission).

Conditions:
SLC4A3-related disorder. Also called: SLC4A3-related condition.

Allele frequency attached by ClinVar (database versions not stated): ESP Exome Variant Server 0.00023; gnomAD exomes 0.00050.
gnomAD v4.1: 760 of 1,613,662 alleles (0.047%); highest among the groups gnomAD compares: Non-Finnish European, 0.062%; no homozygotes.

Submission:

PreventionGenetics, part of Exact Sciences
Classification: Likely benign for SLC4A3-related condition. Last evaluated: 2023-07-18. Review status: no assertion criteria provided. Collection method: clinical testing. Allele origin: germline.
Comment: This variant is classified as likely benign based on ACMG/AMP sequence variant interpretation guidelines (Richards et al. 2015 PMID: 25741868, with internal and published modifications).